The following is an entry in ClinVar:

ClinVar aggregate classification (germline): Benign/Likely benign. Review status: criteria provided, multiple submitters, no conflicts (2 of 4 stars). 11 submissions from 11 submitters: Benign (9); Likely benign (1). 1 of the submissions does not count toward it. Last evaluated 2026-09-01.

Conditions:
Autoinflammatory syndrome. Identifiers: Orphanet 93665, MedGen C3890737, MONDO:0019751.
Majeed syndrome (MJDS). Also called: LPIN2-Related Majeed Syndrome; CHRONIC RECURRENT MULTIFOCAL OSTEOMYELITIS 1, WITH CONGENITAL DYSERYTHROPOIETIC ANEMIA, WITH OR WITHOUT NEUTROPHILIC DERMATOSIS. Identifiers: Orphanet 77297, MedGen C1864997, MONDO:0012316, OMIM 609628.

Allele frequency attached by ClinVar (database versions not stated): 1000 Genomes Project 0.00659; 1000 Genomes Project 30x 0.00671; gnomAD 0.01130 and 0.01175; gnomAD exomes 0.01136 and 0.01403; ExAC 0.01140; TOPMed 0.01238; ESP Exome Variant Server 0.01522.
gnomAD v4.1: 22,276 of 1,613,974 alleles (1.4%); highest among the groups gnomAD compares: Middle Eastern, 2.7%; 224 homozygotes.

Submissions (11):

CeGaT Center for Human Genetics Tuebingen
Classification: Benign. Last evaluated: 2026-09-01. Review status: criteria provided, single submitter. Criteria: CeGaT Center For Human Genetics Tuebingen Variant Classification Criteria Version 2. Collection method: clinical testing. Allele origin: germline. Affected: yes. Observed: 16 variant alleles.
Comment: LPIN2: BP4, BP7, BS1, BS2

Labcorp Genetics (formerly Invitae), Labcorp
Classification: Benign for Majeed syndrome. Last evaluated: 2026-02-02. Review status: criteria provided, single submitter. Criteria: Invitae Variant Classification Sherloc (09022015). Collection method: clinical testing. Allele origin: germline.

Women's Health and Genetics/Laboratory Corporation of America, LabCorp
Classification: Benign. Last evaluated: 2026-01-22. Review status: criteria provided, single submitter. Criteria: LabCorp Variant Classification Summary - May 2015. Collection method: clinical testing. Allele origin: germline.

ARUP Laboratories, Molecular Genetics and Genomics, ARUP Laboratories
Classification: Benign for Majeed syndrome. Last evaluated: 2025-02-06. Review status: criteria provided, single submitter. Criteria: ARUP Molecular Germline Variant Investigation Process 2024. Collection method: clinical testing. Allele origin: germline.

Blueprint Genetics
Classification: Likely benign. Last evaluated: 2024-11-28. Review status: criteria provided, single submitter. Criteria: ACMG Guidelines, 2015. Collection method: clinical testing. Allele origin: germline.

Mayo Clinic Laboratories, Mayo Clinic
Classification: Benign. Last evaluated: 2024-05-29. Review status: criteria provided, single submitter. Criteria: ACMG Guidelines, 2015. Collection method: clinical testing. Allele origin: germline. Observed: 34 variant alleles.

Genome Diagnostics Laboratory, The Hospital for Sick Children
Classification: Benign for Autoinflammatory syndrome. Last evaluated: 2022-02-04. Review status: criteria provided, single submitter. Criteria: ACMG Guidelines, 2015. Collection method: clinical testing. Allele origin: germline. Affected: yes.

Illumina Laboratory Services, Illumina
Classification: Benign for Majeed syndrome. Last evaluated: 2018-01-13. Review status: criteria provided, single submitter. Criteria: ICSL Variant Classification Criteria 13 December 2019. Collection method: clinical testing. Allele origin: germline.
Comment: This variant was observed in the ICSL laboratory as part of a predisposition screen in an ostensibly healthy population. It had not been previously curated by ICSL or reported in the Human Gene Mutation Database (HGMD: prior to June 1st, 2018), and was therefore a candidate for classification through an automated scoring system. Utilizing variant allele frequency, disease prevalence and penetrance estimates, and inheritance mode, an automated score was calculated to assess if this variant is too frequent to cause the disease. Based on the score and internal cut-off values, a variant classified as benign is not then subjected to further curation. The score for this variant resulted in a classification of benign for this disease.

GeneDx
Classification: Benign. Last evaluated: 2013-12-27. Review status: criteria provided, single submitter. Criteria: GeneDx Variant Classification (06012015). Collection method: clinical testing. Allele origin: germline. Affected: yes.
Comment: This variant is considered likely benign or benign based on one or more of the following criteria: it is a conservative change, it occurs at a poorly conserved position in the protein, it is predicted to be benign by multiple in silico algorithms, and/or has population frequency not consistent with disease.

Breakthrough Genomics
Classification: Benign. Review status: criteria provided, single submitter. Criteria: ACMG Guidelines, 2015. Collection method: not provided. Allele origin: germline. Inheritance: Unknown mechanism. Affected: yes.

Unité médicale des maladies autoinflammatoires, CHRU Montpellier
No classification provided. Condition: Majeed syndrome. Review status: no classification provided. Collection method: not provided. Allele origin: unknown. Not counted in ClinVar's aggregate classification.

NM_001375808.2(LPIN2):c.2223C>T (p.Ala741=)

Gene: LPIN2 (lipin 2; minus strand). Cytogenetic location: 18p11.31.
Variant type: single nucleotide variant.
Coding change: c.2223C>T on transcript NM_001375808.2 (MANE Select); coding-DNA position 2223, C replaced by T.
Protein change: p.Ala741=; no amino-acid change (alanine 741 retained).
Molecular consequence: synonymous variant.
Genome position (GRCh38, 1-based): chr18:2,922,151, G>A on the plus strand (C>T on the coding strand, the complement: LPIN2 is on the minus strand). VCF-style: chr18-2922151-G-A. GRCh37 (hg19) VCF-style: chr18-2922149-G-A.
Other names: p.A741A:GCC>GCT; p.Ala741=; c.2223C>T, p.Ala741= (NM_001375809.1, NM_014646.2).
Identifiers: ClinVar variation 97815 (VCV000097815.47), dbSNP rs17555442, ClinGen allele CA267516.